The following is an entry in ClinVar:

ClinVar aggregate classification (germline): Uncertain significance. Review status: criteria provided, single submitter (1 of 4 stars). 2 submissions from 2 submitters: Uncertain significance (1). 1 of the submissions does not count toward it. Last evaluated 2020-08-06.

Conditions:
Rolandic epilepsy, impaired intellectual development, and speech dyspraxia, X-linked. Also called: Rolandic epilepsy, intellectual disability, and speech dyspraxia, X-linked; Rolandic epilepsy, impaired intellectual development, and speech dyspraxia. Identifiers: MedGen C1845070, MONDO:0010388, OMIM 300643.

Allele frequency attached by ClinVar (database versions not stated): gnomAD 0.00005 and 0.00003; gnomAD exomes 0.00004 and 0.00003; ExAC 0.00001; TOPMed 0.00002.
gnomAD v4.1: 50 of 1,209,383 alleles (0.0041%); highest among the groups gnomAD compares: Middle Eastern, 0.046%; no homozygotes.

Submissions (2):

Labcorp Genetics (formerly Invitae), Labcorp
Classification: Uncertain significance for Rolandic epilepsy, impaired intellectual development, and speech dyspraxia, X-linked. Last evaluated: 2020-08-06. Review status: criteria provided, single submitter. Criteria: Invitae Variant Classification Sherloc (09022015). Collection method: clinical testing. Allele origin: germline.
Comment: In summary, the available evidence is currently insufficient to determine the role of this variant in disease. Therefore, it has been classified as a Variant of Uncertain Significance. This variant has been reported to affect SRPX2 protein function (PMID: 16497722, 23831613, 18718938). This variant has been observed in individual(s) with SRPX2-related conditions (PMID: 16497722). ClinVar contains an entry for this variant (Variation ID: 10776). This variant is present in population databases (rs121918364, ExAC 0.002%). This sequence change replaces tyrosine with serine at codon 72 of the SRPX2 protein (p.Tyr72Ser). The tyrosine residue is highly conserved and there is a large physicochemical difference between tyrosine and serine.

OMIM
Classification: Pathogenic for ROLANDIC EPILEPSY, IMPAIRED INTELLECTUAL DEVELOPMENT, AND SPEECH DYSPRAXIA, X-LINKED (1 family). Last evaluated: 2013-08-01. Review status: no assertion criteria provided. Collection method: literature only. Allele origin: germline. Not counted in ClinVar's aggregate classification.

Literature cited by the submitters: PubMed 16497722 (cited by Labcorp Genetics (formerly Invitae), Labcorp and OMIM); PubMed 23831613 (cited by Labcorp Genetics (formerly Invitae), Labcorp and OMIM); PubMed 18718938 (cited by Labcorp Genetics (formerly Invitae), Labcorp and OMIM).

NM_014467.3(SRPX2):c.215A>C (p.Tyr72Ser)

Gene: SRPX2 (sushi repeat containing protein X-linked 2; plus strand). Cytogenetic location: Xq22.1.
Variant type: single nucleotide variant.
Coding change: c.215A>C on transcript NM_014467.3 (MANE Select); coding-DNA position 215, A replaced by C.
Protein change: p.Tyr72Ser; replaces tyrosine 72 with serine.
Molecular consequence: missense variant.
Genome position (GRCh38, 1-based): chrX:100,662,227, A>C. VCF-style: chrX-100662227-A-C. GRCh37 (hg19) VCF-style: chrX-99917224-A-C.
Other names: short protein forms Y72S.
Identifiers: ClinVar variation 10776 (VCV000010776.13), dbSNP rs121918364, ClinGen allele CA121161.